The following is an entry in ClinVar:

ClinVar aggregate classification (germline): Uncertain significance (1 of 4 stars; one submission).

Submission:

Labcorp Genetics (formerly Invitae), Labcorp
Classification: Uncertain significance. Last evaluated: 2021-07-13. Review status: criteria provided, single submitter. Criteria: Invitae Variant Classification Sherloc (09022015). Collection method: clinical testing. Allele origin: germline.
Comment: In summary, the available evidence is currently insufficient to determine the role of this variant in disease. Therefore, it has been classified as a Variant of Uncertain Significance. This sequence change replaces threonine with alanine at codon 585 of the DNM1L protein (p.Thr585Ala). The threonine residue is moderately conserved and there is a small physicochemical difference between threonine and alanine. This variant is not present in population databases (ExAC no frequency). This variant has not been reported in the literature in individuals with DNM1L-related conditions. Algorithms developed to predict the effect of missense changes on protein structure and function output the following: SIFT: "Tolerated"; PolyPhen-2: "Benign"; Align-GVGD: "Class C0". The alanine amino acid residue is found in multiple mammalian species, suggesting that this missense change does not adversely affect protein function. These predictions have not been confirmed by published functional studies and their clinical significance is uncertain.

NM_012062.5(DNM1L):c.1753A>G (p.Thr585Ala)

Gene: DNM1L (dynamin 1 like; plus strand). Cytogenetic location: 12p11.21.
Variant type: single nucleotide variant.
Coding change: c.1753A>G on transcript NM_012062.5 (MANE Select); coding-DNA position 1753, A replaced by G.
Protein change: p.Thr585Ala; replaces threonine 585 with alanine.
Molecular consequence: missense variant.
Genome position (GRCh38, 1-based): chr12:32,740,109, A>G. VCF-style: chr12-32740109-A-G. GRCh37 (hg19) VCF-style: chr12-32893043-A-G.
Other names: c.1720A>G, p.Thr574Ala (NM_001278463.2); c.1792A>G, p.Thr598Ala (NM_001278464.2); c.1759A>G, p.Thr587Ala (NM_001278465.2); c.1144A>G, p.Thr382Ala (NM_001278466.2); c.1681A>G, p.Thr561Ala (NM_001330380.2); c.1642A>G, p.Thr548Ala (NM_005690.5); c.1675A>G, p.Thr559Ala (NM_012063.4); short protein forms T382A, T548A, T561A, T585A, T587A, T574A, T559A, T598A.
Identifiers: ClinVar variation 1512617 (VCV001512617.8), dbSNP rs2137588675, ClinGen allele CA384362475.